The following is an entry in ClinVar:

NM_006904.7(PRKDC):c.243T>C (p.Cys81=)

Gene: PRKDC (protein kinase, DNA-activated, catalytic subunit; minus strand). Cytogenetic location: 8q11.21.
Variant type: single nucleotide variant.
Coding change: c.243T>C on transcript NM_006904.7 (MANE Select); coding-DNA position 243, T replaced by C.
Protein change: p.Cys81=; no amino-acid change (cysteine 81 retained).
Molecular consequence: synonymous variant.
Genome position (GRCh38, 1-based): chr8:47,957,252, A>G on the plus strand (T>C on the coding strand, the complement: PRKDC is on the minus strand). VCF-style: chr8-47957252-A-G. GRCh37 (hg19) VCF-style: chr8-48869812-A-G.
Other names: c.243T>C, p.Cys81= (NM_001081640.2).
Identifiers: ClinVar variation 1791318 (VCV001791318.28), dbSNP rs767456634, ClinGen allele CA4742073.

ClinVar aggregate classification (germline): Likely benign. Review status: criteria provided, multiple submitters, no conflicts (2 of 4 stars). 3 submissions from 3 submitters: Likely benign (3). Last evaluated 2024-06-10.

Conditions:
Severe combined immunodeficiency due to DNA-PKcs deficiency. Also called: IMMUNODEFICIENCY 26 WITH NEUROLOGIC ABNORMALITIES; Immunodeficiency 26 with or without neurologic abnormalities. Identifiers: Orphanet 317425, MedGen C4014833, MONDO:0014423, OMIM 615966.

Allele frequency attached by ClinVar (database versions not stated): gnomAD exomes below 0.00001; TOPMed below 0.00001; ExAC 0.00001; gnomAD 0.00001; 1000 Genomes Project 30x 0.00016.
gnomAD v4.1: 8 of 1,597,222 alleles (0.0005%); highest among the groups gnomAD compares: Non-Finnish European, 0.0006%; no homozygotes.

Submissions (3):

Labcorp Genetics (formerly Invitae), Labcorp
Classification: Likely benign for Severe combined immunodeficiency due to DNA-PKcs deficiency. Last evaluated: 2024-06-10. Review status: criteria provided, single submitter. Criteria: Invitae Variant Classification Sherloc (09022015). Collection method: clinical testing. Allele origin: germline.

CeGaT Center for Human Genetics Tuebingen
Classification: Likely benign. Last evaluated: 2022-10-01. Review status: criteria provided, single submitter. Criteria: CeGaT Center For Human Genetics Tuebingen Variant Classification Criteria Version 2. Collection method: clinical testing. Allele origin: germline. Affected: yes. Observed: 1 variant allele.
Comment: PRKDC: BP4, BP7

Ambry Genetics
Classification: Likely benign. Last evaluated: 2022-03-14. Review status: criteria provided, single submitter. Criteria: Ambry Variant Classification Scheme 2023. Collection method: clinical testing. Allele origin: germline.